The following is an entry in ClinVar:

ClinVar aggregate classification (germline): Uncertain significance. Review status: criteria provided, multiple submitters, no conflicts (2 of 4 stars). 2 submissions from 2 submitters: Uncertain significance (2). Last evaluated 2025-01-02.

Conditions:
Inborn genetic diseases. Identifiers: MedGen C0950123, MeSH D030342.

gnomAD v4.1: 42 of 1,614,078 alleles (0.0026%); highest among the groups gnomAD compares: Non-Finnish European, 0.0031%; no homozygotes.

Submissions (2):

Ambry Genetics
Classification: Uncertain significance for Inborn genetic diseases. Last evaluated: 2025-01-02. Review status: criteria provided, single submitter. Criteria: Ambry Variant Classification Scheme 2023. Collection method: clinical testing. Allele origin: germline.

Labcorp Genetics (formerly Invitae), Labcorp
Classification: Uncertain significance. Last evaluated: 2024-07-22. Review status: criteria provided, single submitter. Criteria: Invitae Variant Classification Sherloc (09022015). Collection method: clinical testing. Allele origin: germline.
Comment: This sequence change replaces glutamic acid, which is acidic and polar, with glutamine, which is neutral and polar, at codon 406 of the EFTUD2 protein (p.Glu406Gln). This variant is not present in population databases (gnomAD no frequency). This variant has not been reported in the literature in individuals affected with EFTUD2-related conditions. Advanced modeling of protein sequence and biophysical properties (such as structural, functional, and spatial information, amino acid conservation, physicochemical variation, residue mobility, and thermodynamic stability) performed at Invitae indicates that this missense variant is not expected to disrupt EFTUD2 protein function with a negative predictive value of 80%. In summary, the available evidence is currently insufficient to determine the role of this variant in disease. Therefore, it has been classified as a Variant of Uncertain Significance.

NM_004247.4(EFTUD2):c.1216G>C (p.Glu406Gln)

Gene: EFTUD2 (elongation factor Tu GTP binding domain containing 2; minus strand). Cytogenetic location: 17q21.31.
Variant type: single nucleotide variant.
Coding change: c.1216G>C on transcript NM_004247.4 (MANE Select); coding-DNA position 1216, G replaced by C.
Protein change: p.Glu406Gln; replaces glutamic acid 406 with glutamine.
Molecular consequence: missense variant.
Genome position (GRCh38, 1-based): chr17:44,864,999, C>G on the plus strand (G>C on the coding strand, the complement: EFTUD2 is on the minus strand). VCF-style: chr17-44864999-C-G. GRCh37 (hg19) VCF-style: chr17-42942367-C-G.
Other names: c.1216G>C (NM_004247.3); c.1111G>C, p.Glu371Gln (NM_001142605.2); c.1216G>C, p.Glu406Gln (NM_001258353.2); c.1186G>C, p.Glu396Gln (NM_001258354.2); short protein forms E371Q, E396Q, E406Q.
Identifiers: ClinVar variation 3715405 (VCV003715405.3).